The following is an entry in ClinVar:

ClinVar aggregate classification (germline): Uncertain significance (1 of 4 stars; one submission).

Conditions:
Woodhouse-Sakati syndrome. Also called: Hypogonadism, Alopecia, Diabetes Mellitus, Mental Retardation, and Extrapyramidal Syndrome; Hypogonadism, diabetes mellitus, alopecia, mental retardation and electrocardiographic abnormalities; EXTRAPYRAMIDAL DISORDER, PROGRESSIVE, WITH PRIMARY HYPOGONADISM, MENTAL RETARDATION, AND ALOPECIA. Identifiers: Orphanet 3464, MedGen C0342286, MONDO:0009419, OMIM 241080.

Allele frequency attached by ClinVar (database versions not stated): gnomAD 0.00001; gnomAD exomes 0.00001 and 0.00004; ExAC 0.00002; TOPMed 0.00003.
gnomAD v4.1: 14 of 1,608,838 alleles (0.00087%); highest among the groups gnomAD compares: Admixed American, 0.02%; no homozygotes.

Submission:

Labcorp Genetics (formerly Invitae), Labcorp
Classification: Uncertain significance for Woodhouse-Sakati syndrome. Last evaluated: 2024-10-24. Review status: criteria provided, single submitter. Criteria: Invitae Variant Classification Sherloc (09022015). Collection method: clinical testing. Allele origin: germline.
Comment: This sequence change replaces histidine, which is basic and polar, with arginine, which is basic and polar, at codon 185 of the DCAF17 protein (p.His185Arg). This variant is present in population databases (rs775985887, gnomAD 0.03%). This variant has not been reported in the literature in individuals affected with DCAF17-related conditions. ClinVar contains an entry for this variant (Variation ID: 1405389). Invitae Evidence Modeling of protein sequence and biophysical properties (such as structural, functional, and spatial information, amino acid conservation, physicochemical variation, residue mobility, and thermodynamic stability) indicates that this missense variant is not expected to disrupt DCAF17 protein function with a negative predictive value of 80%. In summary, the available evidence is currently insufficient to determine the role of this variant in disease. Therefore, it has been classified as a Variant of Uncertain Significance.

NM_025000.4(DCAF17):c.554A>G (p.His185Arg)

Gene: DCAF17 (DDB1 and CUL4 associated factor 17; plus strand). Cytogenetic location: 2q31.1.
Variant type: single nucleotide variant.
Coding change: c.554A>G on transcript NM_025000.4 (MANE Select); coding-DNA position 554, A replaced by G.
Protein change: p.His185Arg; replaces histidine 185 with arginine.
Molecular consequence: missense variant. On other transcripts: non-coding transcript variant (1).
Genome position (GRCh38, 1-based): chr2:171,453,140, A>G. VCF-style: chr2-171453140-A-G. GRCh37 (hg19) VCF-style: chr2-172309650-A-G.
Other names: c.554A>G, p.His185Arg (NM_001164821.2); short protein forms H185R.
Identifiers: ClinVar variation 1405389 (VCV001405389.4), dbSNP rs775985887, ClinGen allele CA1964717.